The following is an entry in ClinVar:

NM_177438.3(DICER1):c.2318T>C (p.Ile773Thr)

Gene: DICER1 (dicer 1, ribonuclease III; minus strand). Cytogenetic location: 14q32.13.
Variant type: single nucleotide variant.
Coding change: c.2318T>C on transcript NM_177438.3 (MANE Select); coding-DNA position 2318, T replaced by C.
Protein change: p.Ile773Thr; replaces isoleucine 773 with threonine.
Molecular consequence: missense variant. On other transcripts: non-coding transcript variant (6).
Genome position (GRCh38, 1-based): chr14:95,108,442, A>G on the plus strand (T>C on the coding strand, the complement: DICER1 is on the minus strand). VCF-style: chr14-95108442-A-G. GRCh37 (hg19) VCF-style: chr14-95574779-A-G.
Other names: c.2318T>C, p.Ile773Thr (NM_001195573.1, NM_001271282.3, NM_001291628.2 and 13 more transcripts); c.2036T>C, p.Ile679Thr (NM_001395686.1); c.1913T>C, p.Ile638Thr (NM_001395687.1, NM_001395688.1, NM_001395689.1 and 2 more transcripts); c.1751T>C, p.Ile584Thr (NM_001395691.1); c.635T>C, p.Ile212Thr (NM_001395697.1); short protein forms I584T, I679T, I638T, I212T, I773T.
Identifiers: ClinVar variation 2012044 (VCV002012044.4), dbSNP rs2542855724, ClinGen allele CA390882305.

ClinVar aggregate classification (germline): Uncertain significance (1 of 4 stars; one submission).

Conditions:
DICER1-related tumor predisposition. Also called: DICER1 syndrome; DICER1-related pleuropulmonary blastoma cancer predisposition syndrome. Identifiers: Orphanet 284343, MedGen C3839822, MONDO:0100216.

Submission:

Labcorp Genetics (formerly Invitae), Labcorp
Classification: Uncertain significance for DICER1-related tumor predisposition. Last evaluated: 2022-06-29. Review status: criteria provided, single submitter. Criteria: Invitae Variant Classification Sherloc (09022015). Collection method: clinical testing. Allele origin: germline.
Comment: In summary, the available evidence is currently insufficient to determine the role of this variant in disease. Therefore, it has been classified as a Variant of Uncertain Significance. Algorithms developed to predict the effect of sequence changes on RNA splicing suggest that this variant may create or strengthen a splice site. Algorithms developed to predict the effect of missense changes on protein structure and function (SIFT, PolyPhen-2, Align-GVGD) all suggest that this variant is likely to be disruptive. This variant has not been reported in the literature in individuals affected with DICER1-related conditions. This variant is not present in population databases (gnomAD no frequency). This sequence change replaces isoleucine, which is neutral and non-polar, with threonine, which is neutral and polar, at codon 773 of the DICER1 protein (p.Ile773Thr).